The following is an entry in ClinVar:

NM_000482.4(APOA4):c.931G>A (p.Gly311Arg)

Gene: APOA4 (apolipoprotein A4; minus strand). Cytogenetic location: 11q23.3.
Variant type: single nucleotide variant.
Coding change: c.931G>A on transcript NM_000482.4 (MANE Select); coding-DNA position 931, G replaced by A.
Protein change: p.Gly311Arg; replaces glycine 311 with arginine.
Molecular consequence: missense variant.
Genome position (GRCh38, 1-based): chr11:116,821,127, C>T on the plus strand (G>A on the coding strand, the complement: APOA4 is on the minus strand). VCF-style: chr11-116821127-C-T. GRCh37 (hg19) VCF-style: chr11-116691843-C-T.
Other names: short protein forms G311R.
Identifiers: ClinVar variation 2415543 (VCV002415543.6), dbSNP rs377752186, ClinGen allele CA6289275.

ClinVar aggregate classification (germline): Uncertain significance (1 of 4 stars; one submission).

Allele frequency attached by ClinVar (database versions not stated): ExAC 0.00002; ESP Exome Variant Server 0.00008; 1000 Genomes Project 30x 0.00016; 1000 Genomes Project 0.00020.

Submission:

Labcorp Genetics (formerly Invitae), Labcorp
Classification: Uncertain significance. Last evaluated: 2022-04-09. Review status: criteria provided, single submitter. Criteria: Invitae Variant Classification Sherloc (09022015). Collection method: clinical testing. Allele origin: germline.
Comment: This sequence change replaces glycine, which is neutral and non-polar, with arginine, which is basic and polar, at codon 311 of the APOA4 protein (p.Gly311Arg). This variant is present in population databases (rs377752186, gnomAD 0.03%). This variant has not been reported in the literature in individuals affected with APOA4-related conditions. Algorithms developed to predict the effect of missense changes on protein structure and function (SIFT, PolyPhen-2, Align-GVGD) all suggest that this variant is likely to be disruptive. In summary, the available evidence is currently insufficient to determine the role of this variant in disease. Therefore, it has been classified as a Variant of Uncertain Significance.